The following is an entry in ClinVar:

ClinVar aggregate classification (germline): Likely pathogenic (1 of 4 stars; one submission).

Submission:

GeneDx
Classification: Likely pathogenic. Last evaluated: 2025-02-20. Review status: criteria provided, single submitter. Criteria: GeneDx Variant Classification Process June 2021. Collection method: clinical testing. Allele origin: germline. Affected: yes.
Comment: Not observed at significant frequency in large population cohorts (gnomAD); In silico analysis supports that this missense variant has a deleterious effect on protein structure/function; Has not been previously published as pathogenic or benign to our knowledge

NM_000252.3(MTM1):c.1115T>C (p.Leu372Pro)

Gene: MTM1 (myotubularin 1; plus strand). Cytogenetic location: Xq28.
Variant type: single nucleotide variant.
Coding change: c.1115T>C on transcript NM_000252.3 (MANE Select); coding-DNA position 1115, T replaced by C.
Protein change: p.Leu372Pro; replaces leucine 372 with proline.
Molecular consequence: missense variant.
Genome position (GRCh38, 1-based): chrX:150,657,882, T>C. VCF-style: chrX-150657882-T-C. GRCh37 (hg19) VCF-style: chrX-149826355-T-C.
Other names: c.1115T>C, p.Leu372Pro (NM_001376906.1, NM_001376908.1); c.1004T>C, p.Leu335Pro (NM_001376907.1); short protein forms L335P, L372P.
Identifiers: ClinVar variation 4076662 (VCV004076662.1).